The following is an entry in ClinVar:

NM_007055.4(POLR3A):c.3597G>T (p.Val1199=)

Gene: POLR3A (RNA polymerase III subunit A; minus strand). Cytogenetic location: 10q22.3.
Variant type: single nucleotide variant.
Coding change: c.3597G>T on transcript NM_007055.4 (MANE Select); coding-DNA position 3597, G replaced by T.
Protein change: p.Val1199=; no amino-acid change (valine 1199 retained).
Molecular consequence: synonymous variant.
Genome position (GRCh38, 1-based): chr10:77,982,316, C>A on the plus strand (G>T on the coding strand, the complement: POLR3A is on the minus strand). VCF-style: chr10-77982316-C-A. GRCh37 (hg19) VCF-style: chr10-79742074-C-A.
Identifiers: ClinVar variation 515196 (VCV000515196.1), dbSNP rs778304603, ClinGen allele CA5570767.

ClinVar aggregate classification (germline): Likely benign (1 of 4 stars; one submission).

Allele frequency attached by ClinVar (database versions not stated): gnomAD exomes below 0.00001; ExAC 0.00001.
gnomAD v4.1: 1 of 1,614,034 alleles (0.000062%); no homozygotes.

Submission:

GeneDx
Classification: Likely benign. Last evaluated: 2018-02-19. Review status: criteria provided, single submitter. Criteria: GeneDx Variant Classification (06012015). Collection method: clinical testing. Allele origin: germline. Affected: yes.
Comment: This variant is considered likely benign or benign based on one or more of the following criteria: it is a conservative change, it occurs at a poorly conserved position in the protein, it is predicted to be benign by multiple in silico algorithms, and/or has population frequency not consistent with disease.